The following is an entry in ClinVar:

NM_000038.6(APC):c.1394del (p.Ala465fs)

Gene: APC (APC regulator of Wnt signaling pathway; plus strand). Cytogenetic location: 5q22.2.
Variant type: Deletion.
Coding change: c.1394del on transcript NM_000038.6 (MANE Select); coding-DNA position 1394, one base deleted (C; older notation c.1394delC).
Protein change: p.Ala465fs; shifts the reading frame from alanine 465.
Molecular consequence: frameshift variant.
Genome position (GRCh38, 1-based): chr5:112,821,977, C deleted. VCF-style (leftmost placement, unchanged base first): chr5-112821976-GC-G. GRCh37 (hg19) VCF-style: chr5-112157673-GC-G.
Other names: c.1394del, p.Ala465fs (NM_001127510.3, NM_001354895.2, NM_001354896.2); c.1340del, p.Ala447fs (NM_001127511.3); c.1424del, p.Ala475fs (NM_001354897.2); c.1319del, p.Ala440fs (NM_001354898.2); c.1310del, p.Ala437fs (NM_001354899.2); c.1217del, p.Ala406fs (NM_001354900.2, NM_001354901.2); c.1121del, p.Ala374fs (NM_001354902.2); c.1091del, p.Ala364fs (NM_001354903.2); and 3 more; short protein forms A182fs, A305fs, A437fs, A364fs, A406fs, A475fs, A339fs, A465fs.
Identifiers: ClinVar variation 922321 (VCV000922321.5), dbSNP rs1763190657, ClinGen allele CA913188174.
Genomic context (GRCh38, chr5:112,821,976, plus strand): 5'-CAGATCTGTCCTGCTGTGTGTGTTCTAATGAAACTTTCATTTGATGAAGAGCATAGACAT[GC>G]AATGAATGAACTAGGTAAGACAAAAATGTTTTTTAATGACATAGACAATTACTGGTGGAT-3'

ClinVar aggregate classification (germline): Pathogenic. Review status: criteria provided, multiple submitters, no conflicts (2 of 4 stars). 2 submissions from 2 submitters: Pathogenic (2). Last evaluated 2025-01-02.

Conditions:
Hereditary cancer-predisposing syndrome. Also called: Neoplastic Syndromes, Hereditary; Tumor predisposition; Hereditary Cancer Syndrome; Hereditary neoplastic syndrome. Identifiers: Orphanet 140162, MedGen C0027672, MeSH D009386, MONDO:0015356.
Familial adenomatous polyposis 1 (FAP1). Also called: FAMILIAL ADENOMATOUS POLYPOSIS 1, ATTENUATED; POLYPOSIS, ADENOMATOUS INTESTINAL. Identifiers: MedGen C2713442, MONDO:0021056, OMIM 175100. Disease mechanism: loss of function.

Submissions (2):

Labcorp Genetics (formerly Invitae), Labcorp
Classification: Pathogenic for Familial adenomatous polyposis 1. Last evaluated: 2025-01-02. Review status: criteria provided, single submitter. Criteria: Invitae Variant Classification Sherloc (09022015). Collection method: clinical testing. Allele origin: germline.
Comment: This sequence change creates a premature translational stop signal (p.Ala465Glufs*2) in the APC gene. It is expected to result in an absent or disrupted protein product. Loss-of-function variants in APC are known to be pathogenic (PMID: 17963004, 20685668). This variant is not present in population databases (gnomAD no frequency). This premature translational stop signal has been observed in individual(s) with APC-related conditions (PMID: 19768578). ClinVar contains an entry for this variant (Variation ID: 922321). For these reasons, this variant has been classified as Pathogenic.

Color Diagnostics, LLC DBA Color Health
Classification: Pathogenic for Hereditary cancer-predisposing syndrome. Last evaluated: 2020-01-14. Review status: criteria provided, single submitter. Criteria: ACMG Guidelines, 2015. Collection method: clinical testing. Allele origin: germline.
Comment: This variant deletes 1 nucleotide in exon 11 of the APC gene, creating a frameshift and premature translation stop signal. This variant is expected to result in an absent or non-functional protein product. This variant has not been identified in the general population by the Genome Aggregation Database (gnomAD). Loss of APC function is a known mechanism of disease. Based on the available evidence, this variant is classified as Pathogenic.

Literature cited by the submitters: PubMed 17963004 (cited by Labcorp Genetics (formerly Invitae), Labcorp); PubMed 20685668 (cited by Labcorp Genetics (formerly Invitae), Labcorp); PubMed 19768578 (cited by Labcorp Genetics (formerly Invitae), Labcorp).